The following is an entry in ClinVar:

NM_017909.4(RMND1):c.254C>T (p.Ala85Val)

Gene: RMND1 (required for meiotic nuclear division 1 homolog; minus strand). Cytogenetic location: 6q25.1.
Variant type: single nucleotide variant.
Coding change: c.254C>T on transcript NM_017909.4 (MANE Select); coding-DNA position 254, C replaced by T.
Protein change: p.Ala85Val; replaces alanine 85 with valine.
Molecular consequence: missense variant. On other transcripts: intron variant (1).
Genome position (GRCh38, 1-based): chr6:151,445,558, G>A on the plus strand (C>T on the coding strand, the complement: RMND1 is on the minus strand). VCF-style: chr6-151445558-G-A. GRCh37 (hg19) VCF-style: chr6-151766693-G-A.
Other names: c.-7+6458C>T (NM_001271937.2); short protein forms A85V.
Identifiers: ClinVar variation 1994588 (VCV001994588.4), dbSNP rs1780930851, ClinGen allele CA366065864.
Genomic context (GRCh38, chr6:151,445,558, plus strand): 5'-CTGTGAGTACCAAAGGATTTCATGGTTGGAAGGTGTGCCTTTTCATCTTGGCAACGAGCA[G>A]CATTTAATGGAGACAGCATGCTGGTATCTGACTTTTTTTGGTTCATTTCCAGGATCTGAG-3'
Protein context (NP_060379.2, residues 75-95): SDTSMLSPLN[Ala85Val]ARCQDEKAHL

ClinVar aggregate classification (germline): Uncertain significance (1 of 4 stars; one submission).

Allele frequency attached by ClinVar (database versions not stated): gnomAD 0.00001; TOPMed below 0.00001.

Submission:

Labcorp Genetics (formerly Invitae), Labcorp
Classification: Uncertain significance. Last evaluated: 2025-06-12. Review status: criteria provided, single submitter. Criteria: Invitae Variant Classification Sherloc (09022015). Collection method: clinical testing. Allele origin: germline.
Comment: This sequence change replaces alanine, which is neutral and non-polar, with valine, which is neutral and non-polar, at codon 85 of the RMND1 protein (p.Ala85Val). This variant is not present in population databases (gnomAD no frequency). This variant has not been reported in the literature in individuals affected with RMND1-related conditions. ClinVar contains an entry for this variant (Variation ID: 1994588). An algorithm developed to predict the effect of missense changes on protein structure and function (PolyPhen-2) suggests that this variant is likely to be tolerated. In summary, the available evidence is currently insufficient to determine the role of this variant in disease. Therefore, it has been classified as a Variant of Uncertain Significance.